The following is an entry in ClinVar:

NM_000278.5(PAX2):c.91C>T (p.Arg31Trp)

Gene: PAX2 (paired box 2; plus strand). Cytogenetic location: 10q24.31.
Variant type: single nucleotide variant.
Coding change: c.91C>T on transcript NM_000278.5 (MANE Select); coding-DNA position 91, C replaced by T.
Protein change: p.Arg31Trp; replaces arginine 31 with tryptophan.
Molecular consequence: missense variant.
Genome position (GRCh38, 1-based): chr10:100,749,793, C>T. VCF-style: chr10-100749793-C-T. GRCh37 (hg19) VCF-style: chr10-102509550-C-T.
Other names: c.184C>T, p.Arg62Trp (NM_001304569.2); c.91C>T, p.Arg31Trp (NM_003987.5, NM_003988.5, NM_003989.5 and 1 more transcripts); short protein forms R31W, R62W.
Identifiers: ClinVar variation 4077059 (VCV004077059.1).

ClinVar aggregate classification (germline): Likely pathogenic (1 of 4 stars; one submission).

Conditions:
Focal segmental glomerulosclerosis 7 (FSGS7). Identifiers: Orphanet 656, MedGen C4014925, MONDO:0014451, OMIM 616002.

Submission:

MVZ Medizinische Genetik Mainz
Classification: Likely pathogenic for Focal segmental glomerulosclerosis 7. Last evaluated: 2025-08-15. Review status: criteria provided, single submitter. Criteria: UK Practice Guidelines For Variant Classification V4 01 2020. Collection method: clinical testing. Allele origin: germline. Inheritance: Autosomal dominant inheritance. Affected: yes. Observed: 1 variant allele.
Comment: ACMG Criteria: PM1,PP3_MOD,PM2_SUP,PM5_SUP,PP2